The following is an entry in ClinVar:

NM_001008537.3(NEXMIF):c.2210G>T (p.Gly737Val)

Gene: NEXMIF (neurite extension and migration factor; minus strand). Cytogenetic location: Xq13.3.
Variant type: single nucleotide variant.
Coding change: c.2210G>T on transcript NM_001008537.3 (MANE Select); coding-DNA position 2210, G replaced by T.
Protein change: p.Gly737Val; replaces glycine 737 with valine.
Molecular consequence: missense variant.
Genome position (GRCh38, 1-based): chrX:74,742,347, C>A on the plus strand (G>T on the coding strand, the complement: NEXMIF is on the minus strand). VCF-style: chrX-74742347-C-A. GRCh37 (hg19) VCF-style: chrX-73962182-C-A.
Other names: short protein forms G737V.
Identifiers: ClinVar variation 1002625 (VCV001002625.8), dbSNP rs2080108808, ClinGen allele CA413668727.

ClinVar aggregate classification (germline): Uncertain significance (1 of 4 stars; one submission).

Allele frequency attached by ClinVar (database versions not stated): gnomAD exomes below 0.00001.
gnomAD v4.1: 3 of 1,210,906 alleles (0.00025%); highest among the groups gnomAD compares: Non-Finnish European, 0.00034%; no homozygotes.

Submission:

Labcorp Genetics (formerly Invitae), Labcorp
Classification: Uncertain significance. Last evaluated: 2020-10-28. Review status: criteria provided, single submitter. Criteria: Invitae Variant Classification Sherloc (09022015). Collection method: clinical testing. Allele origin: germline.
Comment: This variant has not been reported in the literature in individuals with NEXMIF-related conditions. In summary, the available evidence is currently insufficient to determine the role of this variant in disease. Therefore, it has been classified as a Variant of Uncertain Significance. Algorithms developed to predict the effect of missense changes on protein structure and function are either unavailable or do not agree on the potential impact of this missense change (SIFT: "Deleterious"; PolyPhen-2: "Probably Damaging"; Align-GVGD: "Class C0"). This variant is not present in population databases (ExAC no frequency). This sequence change replaces glycine with valine at codon 737 of the NEXMIF protein (p.Gly737Val). The glycine residue is highly conserved and there is a moderate physicochemical difference between glycine and valine.